The following is an entry in ClinVar:

NM_003283.6(TNNT1):c.107-136A>T

Gene: TNNT1 (troponin T1, slow skeletal type; minus strand). Cytogenetic location: 19q13.42.
Variant type: single nucleotide variant.
Coding change: c.107-136A>T on transcript NM_003283.6 (MANE Select); 136 bases into the intron before coding-DNA position 107, A replaced by T.
Molecular consequence: intron variant.
Genome position (GRCh38, 1-based): chr19:55,145,701, T>A on the plus strand (A>T on the coding strand, the complement: TNNT1 is on the minus strand). VCF-style: chr19-55145701-T-A. GRCh37 (hg19) VCF-style: chr19-55657069-T-A.
Other names: c.74-136A>T (NM_001126133.3, NM_001291774.2); c.107-136A>T (NM_001126132.3).
Identifiers: ClinVar variation 672291 (VCV000672291.2), dbSNP rs78156871, ClinGen allele CA310138762.

ClinVar aggregate classification (germline): Benign. Review status: criteria provided, multiple submitters, no conflicts (2 of 4 stars). 2 submissions from 2 submitters: Benign (2). Last evaluated 2018-06-19.

Allele frequency attached by ClinVar (database versions not stated): 1000 Genomes Project 30x 0.03919; 1000 Genomes Project 0.03994; TOPMed 0.06134; gnomAD 0.06724 and 0.06835.
gnomAD v4.1: 65,018 of 830,530 alleles (7.8%); highest among the groups gnomAD compares: Non-Finnish European, 9.7%; 3,060 homozygotes.

Submissions (2):

GeneDx
Classification: Benign. Last evaluated: 2018-06-19. Review status: criteria provided, single submitter. Criteria: GeneDx Variant Classification (06012015). Collection method: clinical testing. Allele origin: germline. Affected: yes.
Comment: This variant is considered likely benign or benign based on one or more of the following criteria: it is a conservative change, it occurs at a poorly conserved position in the protein, it is predicted to be benign by multiple in silico algorithms, and/or has population frequency not consistent with disease.

Breakthrough Genomics
Classification: Benign. Review status: criteria provided, single submitter. Criteria: ACMG Guidelines, 2015. Collection method: not provided. Allele origin: germline. Inheritance: Autosomal recessive inheritance. Affected: yes.